The following is an entry in ClinVar:

ClinVar aggregate classification (germline): Likely pathogenic (1 of 4 stars; one submission).

Conditions:
Neurodevelopmental disorder with hypotonia, stereotypic hand movements, and impaired language. Also called: Intellectual disability, autosomal dominant 20. Identifiers: Orphanet 228384, Orphanet 664410, MedGen C3150700, MONDO:0013266, OMIM 613443.

Submission:

Labcorp Genetics (formerly Invitae), Labcorp
Classification: Likely pathogenic for Neurodevelopmental disorder with hypotonia, stereotypic hand movements, and impaired language. Last evaluated: 2022-09-07. Review status: criteria provided, single submitter. Criteria: Invitae Variant Classification Sherloc (09022015). Collection method: clinical testing. Allele origin: germline.
Comment: This sequence change affects a donor splice site in intron 6 of the MEF2C gene. It is expected to disrupt RNA splicing. Variants that disrupt the donor or acceptor splice site typically lead to a loss of protein function (PMID: 16199547), and loss-of-function variants in MEF2C are known to be pathogenic (PMID: 20513142). This variant is not present in population databases (gnomAD no frequency). This variant has not been reported in the literature in individuals affected with MEF2C-related conditions. Algorithms developed to predict the effect of sequence changes on RNA splicing suggest that this variant may disrupt the consensus splice site. In summary, the currently available evidence indicates that the variant is pathogenic, but additional data are needed to prove that conclusively. Therefore, this variant has been classified as Likely Pathogenic.

Literature cited by the submitters: PubMed 16199547; PubMed 20513142.

NM_002397.5(MEF2C):c.637+1G>T

Gene: MEF2C (myocyte enhancer factor 2C; minus strand). Cytogenetic location: 5q14.3.
Variant type: single nucleotide variant.
Coding change: c.637+1G>T on transcript NM_002397.5 (MANE Select); the canonical splice donor site of the intron after coding-DNA position 637, G replaced by T.
Molecular consequence: splice donor variant.
Genome position (GRCh38, 1-based): chr5:88,749,069, C>A on the plus strand (G>T on the coding strand, the complement: MEF2C is on the minus strand). VCF-style: chr5-88749069-C-A. GRCh37 (hg19) VCF-style: chr5-88044886-C-A.
Other names: c.637+1G>T (NM_001364329.2, NM_001364330.2, NM_001364333.2 and 18 more transcripts); c.493+1G>T (NM_001364344.2, NM_001364354.2, NM_001364332.2 and 3 more transcripts); c.259+1G>T (NM_001364353.2, NM_001364356.2); c.631+1G>T (NM_001131005.2, NM_001364352.2, NM_001364343.2); c.691+1G>T (NM_001193347.1, NM_001364338.2); c.211+1G>T (NM_001364357.2).
Identifiers: ClinVar variation 1995194 (VCV001995194.4), dbSNP rs2152497250, ClinGen allele CA360423540.